The following is an entry in ClinVar:

ClinVar aggregate classification (germline): Uncertain significance. Review status: criteria provided, multiple submitters, no conflicts (2 of 4 stars). 3 submissions from 3 submitters: Uncertain significance (3). Last evaluated 2023-03-21.

Conditions:
Colorectal cancer, susceptibility to, 1. Also called: COLORECTAL ADENOMA AND CANCER, SUSCEPTIBILITY TO; COLORECTAL CANCER, SUSCEPTIBILITY TO, ON CHROMOSOME 9. Identifiers: MedGen C1837315, MONDO:0012132, OMIM 608812.

Submissions (3):

Ambry Genetics
Classification: Uncertain significance. Last evaluated: 2023-03-21. Review status: criteria provided, single submitter. Criteria: Ambry Variant Classification Scheme 2023. Collection method: clinical testing. Allele origin: germline.
Comment: The c.230_238dupCGCGGGGCG variant (also known as p.A77_G79dup), located in coding exon 1 of the GALNT12 gene, results from an in-frame duplication of CGCGGGGCG at nucleotide positions 230 to 238. This results in the duplication of 3 extra residues (ARG) between codons 77 and 79. This amino acid region is not well conserved in available vertebrate species. In addition, the in silico prediction for this alteration is inconclusive (Choi Y et al. PLoS ONE. 2012; 7(10):e46688). The evidence for this gene-disease relationship is limited; therefore, the clinical significance of this alteration is unclear.

Department of Pathology and Laboratory Medicine, Sinai Health System
Classification: Uncertain significance for Colorectal cancer, susceptibility to, 1. Last evaluated: 2022-05-18. Review status: criteria provided, single submitter. Criteria: ACMG Guidelines, 2015. Collection method: clinical testing. Allele origin: germline. Affected: yes.

Labcorp Genetics (formerly Invitae), Labcorp
Classification: Uncertain significance. Last evaluated: 2021-08-09. Review status: criteria provided, single submitter. Criteria: Invitae Variant Classification Sherloc (09022015). Collection method: clinical testing. Allele origin: germline.
Comment: This variant, c.230_238dup, results in the insertion of 3 amino acid(s) to the GALNT12 protein (p.Ala77_Gly79dup), but otherwise preserves the integrity of the reading frame. The frequency data for this variant in the population databases is considered unreliable, as metrics indicate insufficient coverage at this position in the ExAC database. This variant has not been reported in the literature in individuals affected with GALNT12-related conditions. Experimental studies and prediction algorithms are not available or were not evaluated, and the functional significance of this variant is currently unknown. In summary, the available evidence is currently insufficient to determine the role of this variant in disease. Therefore, it has been classified as a Variant of Uncertain Significance.

NM_024642.5(GALNT12):c.230_238dup (p.Ala77_Gly79dup)

Gene: GALNT12 (polypeptide N-acetylgalactosaminyltransferase 12; plus strand). Cytogenetic location: 9q22.33.
Variant type: Duplication.
Coding change: c.230_238dup on transcript NM_024642.5 (MANE Select); coding-DNA positions 230 to 238, 9 bases duplicated (CGCGGGGCG; older notation c.230_238dupCGCGGGGCG).
Protein change: p.Ala77_Gly79dup.
Molecular consequence: inframe insertion.
Genome position (GRCh38, 1-based): chr9:98,807,928-98,807,936, CGCGGGGCG duplicated; duplicating any 9 consecutive bases within chr9:98,807,923-98,807,936 gives the same sequence; the c. name uses the placement nearest the transcript's 3' end. VCF-style (leftmost placement, unchanged base first): chr9-98807922-T-TGGGCGCGCG. GRCh37 (hg19) VCF-style: chr9-101570204-T-TGGGCGCGCG.
Identifiers: ClinVar variation 1399978 (VCV001399978.9), dbSNP rs1465375485, ClinGen allele CA589582983.